The following is an entry in ClinVar:

ClinVar aggregate classification (germline): not provided (0 of 4 stars; one submission).

Conditions:
Autosomal dominant nonsyndromic hearing loss 3A. Identifiers: Orphanet 90635, MedGen C2675750, MONDO:0011103, OMIM 601544.

Submission:

ClinVar Staff, National Center for Biotechnology Information (NCBI)
No classification provided. Condition: Autosomal dominant nonsyndromic hearing loss 3A. Review status: no classification provided. Collection method: literature only. Allele origin: germline. Inheritance: Autosomal dominant inheritance. Affected: yes. Observed: 12 variant alleles, 11 heterozygotes, 1 compound heterozygote.
Comment: Wang et al., 2017 (PubMed 28102197) report a large Chinese family in which "11 affected members had consistent phenotypes (high-frequency hearing impairment) and genotypes (GJB2 c.524C > A mutation carriers)...one patient showed much more severe hearing loss and compound heterozygosity for GJB2 (c.524C>A/c.235delC."

Literature cited by the submitters: PubMed 28102197.

NM_004004.6(GJB2):c.524C>A (p.Pro175His)

Gene: GJB2 (gap junction protein beta 2; minus strand). Cytogenetic location: 13q12.11.
Variant type: single nucleotide variant.
Coding change: c.524C>A on transcript NM_004004.6 (MANE Select); coding-DNA position 524, C replaced by A.
Protein change: p.Pro175His; replaces proline 175 with histidine.
Molecular consequence: missense variant.
Genome position (GRCh38, 1-based): chr13:20,189,058, G>T on the plus strand (C>A on the coding strand, the complement: GJB2 is on the minus strand). VCF-style: chr13-20189058-G-T. GRCh37 (hg19) VCF-style: chr13-20763197-G-T.
Other names: short protein forms P175H.
Identifiers: ClinVar variation 3256609 (VCV003256609.1).